The following is an entry in ClinVar:

NM_001369.3(DNAH5):c.5115G>T (p.Gly1705=)

Gene: DNAH5 (dynein axonemal heavy chain 5; minus strand). Cytogenetic location: 5p15.2.
Variant type: single nucleotide variant.
Coding change: c.5115G>T on transcript NM_001369.3 (MANE Select); coding-DNA position 5115, G replaced by T.
Protein change: p.Gly1705=; no amino-acid change (glycine 1705 retained).
Molecular consequence: synonymous variant.
Genome position (GRCh38, 1-based): chr5:13,844,993, C>A on the plus strand (G>T on the coding strand, the complement: DNAH5 is on the minus strand). VCF-style: chr5-13844993-C-A. GRCh37 (hg19) VCF-style: chr5-13845102-C-A.
Identifiers: ClinVar variation 3056502 (VCV003056502.2), dbSNP rs768906272, ClinGen allele CA443258363.

ClinVar aggregate classification (germline): Conflicting classifications of pathogenicity. Review status: no assertion criteria provided (0 of 4 stars). 2 submissions from 2 submitters: Uncertain significance (1); Likely benign (1). Last evaluated 2025-02-18.

Conditions:
DNAH5-related disorder. Also called: DNAH5-related condition.
Primary ciliary dyskinesia. Also called: Ciliary dyskinesia. Identifiers: Orphanet 244, MedGen C0008780, MONDO:0016575, HP:0012265.

Submissions (2):

Natera, Inc.
Classification: Uncertain significance for Primary ciliary dyskinesia. Last evaluated: 2025-02-18. Review status: no assertion criteria provided. Collection method: clinical testing. Allele origin: germline.

PreventionGenetics, part of Exact Sciences
Classification: Likely benign for DNAH5-related condition. Last evaluated: 2019-05-01. Review status: no assertion criteria provided. Collection method: clinical testing. Allele origin: germline.
Comment: This variant is classified as likely benign based on ACMG/AMP sequence variant interpretation guidelines (Richards et al. 2015 PMID: 25741868, with internal and published modifications).